The following is an entry in ClinVar:

NM_004006.3(DMD):c.2039C>A (p.Thr680Asn)

Gene: DMD (dystrophin; minus strand). Cytogenetic location: Xp21.1.
Variant type: single nucleotide variant.
Coding change: c.2039C>A on transcript NM_004006.3 (MANE Select); coding-DNA position 2039, C replaced by A.
Protein change: p.Thr680Asn; replaces threonine 680 with asparagine.
Molecular consequence: missense variant.
Genome position (GRCh38, 1-based): chrX:32,545,288, G>T on the plus strand (C>A on the coding strand, the complement: DMD is on the minus strand). VCF-style: chrX-32545288-G-T. GRCh37 (hg19) VCF-style: chrX-32563405-G-T.
Other names: c.2015C>A, p.Thr672Asn (NM_000109.4); c.2027C>A, p.Thr676Asn (NM_004009.3); c.1670C>A, p.Thr557Asn (NM_004010.3); short protein forms T680N, T676N, T557N, T672N.
Identifiers: ClinVar variation 194740 (VCV000194740.15), dbSNP rs367769606, ClinGen allele CA240885.

ClinVar aggregate classification (germline): Conflicting classifications of pathogenicity. Review status: criteria provided, conflicting classifications (1 of 4 stars). 4 submissions from 4 submitters: Uncertain significance (3); Likely benign (1). Last evaluated 2025-12-30.

Conditions:
Cardiovascular phenotype. Identifiers: MedGen CN230736.
Duchenne muscular dystrophy (DMD). Also called: MUSCULAR DYSTROPHY, PSEUDOHYPERTROPHIC PROGRESSIVE, DUCHENNE TYPE; Duchenne Muscular Dystrophy (DMD). Identifiers: Orphanet 98896, MedGen C0013264, MONDO:0010679, OMIM 310200.
Becker muscular dystrophy (BMD). Also called: Becker Muscular Dystrophy (BMD); MUSCULAR DYSTROPHY, PSEUDOHYPERTROPHIC PROGRESSIVE, BECKER TYPE. Identifiers: Orphanet 98895, MedGen C0917713, MONDO:0010311, OMIM 300376.
Dilated cardiomyopathy 3B (CMD3B). Also called: CMD3B: DMD-Related Dilated Cardiomyopathy; CARDIOMYOPATHY, DILATED, X-LINKED; DMD-Associated Dilated Cardiomyopathy. Identifiers: Orphanet 154, MedGen C3668940, MONDO:0010542, OMIM 302045.

Allele frequency attached by ClinVar (database versions not stated): ExAC 0.00001; gnomAD 0.00001; TOPMed 0.00001; ESP Exome Variant Server 0.00009.

Submissions (4):

Ambry Genetics
Classification: Uncertain significance for Cardiovascular phenotype. Last evaluated: 2025-12-30. Review status: criteria provided, single submitter. Criteria: Ambry Variant Classification Scheme 2023. Collection method: clinical testing. Allele origin: germline.
Comment: The p.T680N variant (also known as c.2039C>A), located in coding exon 17 of the DMD gene, results from a C to A substitution at nucleotide position 2039. The threonine at codon 680 is replaced by asparagine, an amino acid with similar properties. Based on data from gnomAD, the A allele has an overall frequency of 0.0011% (2/1831119) total alleles studied, with 1 hemizygote(s) observed. The highest observed frequency was 0.0152% (2/13155) of African alleles. This amino acid position is highly conserved in available vertebrate species. In addition, this alteration is predicted to be tolerated by in silico analysis. Based on the available evidence, the clinical significance of this variant remains unclear.

Labcorp Genetics (formerly Invitae), Labcorp
Classification: Likely benign for Duchenne muscular dystrophy. Last evaluated: 2024-05-08. Review status: criteria provided, single submitter. Criteria: Invitae Variant Classification Sherloc (09022015). Collection method: clinical testing. Allele origin: germline.

Fulgent Genetics
Classification: Uncertain significance for Becker muscular dystrophy; Dilated cardiomyopathy 3B; Duchenne muscular dystrophy. Last evaluated: 2021-08-02. Review status: criteria provided, single submitter. Criteria: ACMG Guidelines, 2015. Collection method: clinical testing. Allele origin: unknown.

Eurofins Ntd Llc (ga)
Classification: Uncertain significance. Last evaluated: 2014-12-09. Review status: criteria provided, single submitter. Criteria: EGL Classification Definitions 2015. Collection method: clinical testing. Allele origin: germline. Observed: 1 variant allele, 1 hemizygote.